The following is an entry in ClinVar:

ClinVar aggregate classification (germline): Uncertain significance (1 of 4 stars; one submission).

Conditions:
Bardet-Biedl syndrome (BBS). Identifiers: Orphanet 110, MedGen C0752166, MONDO:0015229.

gnomAD v4.1: 6 of 1,614,168 alleles (0.00037%); highest among the groups gnomAD compares: South Asian, 0.0011%; no homozygotes.

Submission:

Labcorp Genetics (formerly Invitae), Labcorp
Classification: Uncertain significance for Bardet-Biedl syndrome. Last evaluated: 2025-01-20. Review status: criteria provided, single submitter. Criteria: Invitae Variant Classification Sherloc (09022015). Collection method: clinical testing. Allele origin: germline.
Comment: This sequence change replaces methionine, which is neutral and non-polar, with valine, which is neutral and non-polar, at codon 342 of the BBS4 protein (p.Met342Val). This variant is present in population databases (rs752377756, gnomAD 0.003%). This variant has not been reported in the literature in individuals affected with BBS4-related conditions. Invitae Evidence Modeling of protein sequence and biophysical properties (such as structural, functional, and spatial information, amino acid conservation, physicochemical variation, residue mobility, and thermodynamic stability) has been performed for this missense variant. However, the output from this modeling did not meet the statistical confidence thresholds required to predict the impact of this variant on BBS4 protein function. In summary, the available evidence is currently insufficient to determine the role of this variant in disease. Therefore, it has been classified as a Variant of Uncertain Significance.

NM_033028.5(BBS4):c.1024A>G (p.Met342Val)

Gene: BBS4 (Bardet-Biedl syndrome 4; plus strand). Cytogenetic location: 15q24.1.
Variant type: single nucleotide variant.
Coding change: c.1024A>G on transcript NM_033028.5 (MANE Select); coding-DNA position 1024, A replaced by G.
Protein change: p.Met342Val; replaces methionine 342 with valine.
Molecular consequence: missense variant. On other transcripts: non-coding transcript variant (2).
Genome position (GRCh38, 1-based): chr15:72,731,714, A>G. VCF-style: chr15-72731714-A-G. GRCh37 (hg19) VCF-style: chr15-73024055-A-G.
Other names: c.508A>G, p.Met170Val (NM_001252678.2); c.955A>G, p.Met319Val (NM_001320665.2); short protein forms M170V, M319V, M342V.
Identifiers: ClinVar variation 3665196 (VCV003665196.2).